The following is an entry in ClinVar:

NM_001170629.2(CHD8):c.7484A>C (p.His2495Pro)

Gene: CHD8 (chromodomain helicase DNA binding protein 8; minus strand). Cytogenetic location: 14q11.2.
Variant type: single nucleotide variant.
Coding change: c.7484A>C on transcript NM_001170629.2 (MANE Select); coding-DNA position 7484, A replaced by C.
Protein change: p.His2495Pro; replaces histidine 2495 with proline.
Molecular consequence: missense variant.
Genome position (GRCh38, 1-based): chr14:21,385,875, T>G on the plus strand (A>C on the coding strand, the complement: CHD8 is on the minus strand). VCF-style: chr14-21385875-T-G. GRCh37 (hg19) VCF-style: chr14-21854034-T-G.
Other names: c.7484A>C (NM_001170629.1); c.6647A>C, p.His2216Pro (NM_020920.4); short protein forms H2216P, H2495P.
Identifiers: ClinVar variation 2818505 (VCV002818505.4), dbSNP rs2501812760, ClinGen allele CA388874999.

ClinVar aggregate classification (germline): Uncertain significance. Review status: criteria provided, multiple submitters, no conflicts (2 of 4 stars). 2 submissions from 2 submitters: Uncertain significance (2). Last evaluated 2025-08-26.

Conditions:
Inborn genetic diseases. Identifiers: MedGen C0950123, MeSH D030342.

Submissions (2):

Ambry Genetics
Classification: Uncertain significance for Inborn genetic diseases. Last evaluated: 2025-08-26. Review status: criteria provided, single submitter. Criteria: Ambry Variant Classification Scheme 2023. Collection method: clinical testing. Allele origin: germline.

Labcorp Genetics (formerly Invitae), Labcorp
Classification: Uncertain significance. Last evaluated: 2022-12-04. Review status: criteria provided, single submitter. Criteria: Invitae Variant Classification Sherloc (09022015). Collection method: clinical testing. Allele origin: germline.
Comment: In summary, the available evidence is currently insufficient to determine the role of this variant in disease. Therefore, it has been classified as a Variant of Uncertain Significance. Algorithms developed to predict the effect of missense changes on protein structure and function (SIFT, PolyPhen-2, Align-GVGD) all suggest that this variant is likely to be tolerated. This variant has not been reported in the literature in individuals affected with CHD8-related conditions. This variant is not present in population databases (gnomAD no frequency). This sequence change replaces histidine, which is basic and polar, with proline, which is neutral and non-polar, at codon 2495 of the CHD8 protein (p.His2495Pro).